The following is an entry in ClinVar:

NM_004519.4(KCNQ3):c.665T>G (p.Leu222Arg)

Gene: KCNQ3 (potassium voltage-gated channel subfamily Q member 3; minus strand). Cytogenetic location: 8q24.22.
Variant type: single nucleotide variant.
Coding change: c.665T>G on transcript NM_004519.4 (MANE Select); coding-DNA position 665, T replaced by G.
Protein change: p.Leu222Arg; replaces leucine 222 with arginine.
Molecular consequence: missense variant.
Genome position (GRCh38, 1-based): chr8:132,180,269, A>C on the plus strand (T>G on the coding strand, the complement: KCNQ3 is on the minus strand). VCF-style: chr8-132180269-A-C. GRCh37 (hg19) VCF-style: chr8-133192516-A-C.
Other names: c.305T>G, p.Leu102Arg (NM_001204824.2); short protein forms L102R, L222R.
Identifiers: ClinVar variation 4527613 (VCV004527613.1).
Genomic context (GRCh38, chr8:132,180,269, plus strand): 5'-CGGTCCATCCGCAGCATGCGCAGGATCTGCAGGAAGCGCAGGCTTCGCAGGGAGGTGGCC[A>C]GAACATTGCCTTGGTTTCCCACAGCAACCACTGGCACAGAGGCAATCAGCACAAAGATGT-3'
Protein context (NP_004510.1, residues 212-232): VVAVGNQGNV[Leu222Arg]ATSLRSLRFL

ClinVar aggregate classification (germline): Uncertain significance (1 of 4 stars; one submission).

Submission:

GeneDx
Classification: Uncertain significance. Last evaluated: 2025-04-24. Review status: criteria provided, single submitter. Criteria: GeneDx Variant Classification Process June 2021. Collection method: clinical testing. Allele origin: germline. Affected: yes.
Comment: Not observed at significant frequency in large population cohorts (gnomAD); In silico analysis supports that this missense variant has a deleterious effect on protein structure/function; Has not been previously published as pathogenic or benign to our knowledge